The following is an entry in ClinVar:

ClinVar aggregate classification (germline): Uncertain significance. Review status: criteria provided, multiple submitters, no conflicts (2 of 4 stars). 2 submissions from 2 submitters: Uncertain significance (2). Last evaluated 2025-01-23.

Conditions:
Catecholaminergic polymorphic ventricular tachycardia 1. Also called: VENTRICULAR TACHYCARDIA, CATECHOLAMINERGIC POLYMORPHIC, 1, WITH OR WITHOUT ATRIAL DYSFUNCTION AND/OR DILATED CARDIOMYOPATHY; VENTRICULAR TACHYCARDIA, STRESS-INDUCED POLYMORPHIC 1; RYR2-Related Catecholaminergic Polymorphic Ventricular Tachycardia. Identifiers: Orphanet 3286, MedGen C1631597, MONDO:0011484, OMIM 604772.

Submissions (2):

Labcorp Genetics (formerly Invitae), Labcorp
Classification: Uncertain significance for Catecholaminergic polymorphic ventricular tachycardia 1. Last evaluated: 2025-01-23. Review status: criteria provided, single submitter. Criteria: Invitae Variant Classification Sherloc (09022015). Collection method: clinical testing. Allele origin: germline.
Comment: This sequence change creates a premature translational stop signal (p.Trp4481*) in the RYR2 gene. It is expected to result in an absent or disrupted protein product. However, the current clinical and genetic evidence is not sufficient to establish whether loss-of-function variants in RYR2 cause disease. This variant is not present in population databases (gnomAD no frequency). This variant has not been reported in the literature in individuals affected with RYR2-related conditions. ClinVar contains an entry for this variant (Variation ID: 2662872). In summary, the available evidence is currently insufficient to determine the role of this variant in disease. Therefore, it has been classified as a Variant of Uncertain Significance.

GeneDx
Classification: Uncertain significance. Last evaluated: 2023-04-13. Review status: criteria provided, single submitter. Criteria: GeneDx Variant Classification Process June 2021. Collection method: clinical testing. Allele origin: germline. Affected: yes.
Comment: Nonsense variant predicted to result in protein truncation or nonsense mediated decay in a gene or region of a gene for which loss of function is not a well-established mechanism of disease; Not observed at significant frequency in large population cohorts (gnomAD); Has not been previously published as pathogenic or benign to our knowledge

NM_001035.3(RYR2):c.13442G>A (p.Trp4481Ter)

Gene: RYR2 (ryanodine receptor 2; plus strand). Cytogenetic location: 1q43.
Variant type: single nucleotide variant.
Coding change: c.13442G>A on transcript NM_001035.3 (MANE Select); coding-DNA position 13442, G replaced by A.
Protein change: p.Trp4481Ter; replaces tryptophan 4481 with a stop codon.
Molecular consequence: nonsense.
Genome position (GRCh38, 1-based): chr1:237,788,101, G>A. VCF-style: chr1-237788101-G-A. GRCh37 (hg19) VCF-style: chr1-237951401-G-A.
Other names: short protein forms W4481*.
Identifiers: ClinVar variation 2662872 (VCV002662872.3), dbSNP rs2527857379, ClinGen allele CA345416603.